The following is an entry in ClinVar:

NM_173630.4(RTTN):c.578+5G>A

Gene: RTTN (rotatin; minus strand). Cytogenetic location: 18q22.2.
Variant type: single nucleotide variant.
Coding change: c.578+5G>A on transcript NM_173630.4 (MANE Select); 5 bases into the intron after coding-DNA position 578, G replaced by A.
Molecular consequence: intron variant.
Genome position (GRCh38, 1-based): chr18:70,199,409, C>T on the plus strand (G>A on the coding strand, the complement: RTTN is on the minus strand). VCF-style: chr18-70199409-C-T. GRCh37 (hg19) VCF-style: chr18-67866645-C-T.
Other names: c.-1976+5G>A (NM_001318520.2).
Identifiers: ClinVar variation 1927404 (VCV001927404.5), dbSNP rs749171483, ClinGen allele CA8996444.
Genomic context (GRCh38, chr18:70,199,409, plus strand): 5'-AATAACTATCAAACTTAATGACTATAAGTGAACAAAAATACCTGAAAATACATCAAGCAC[C>T]GTACCTTTCATTAGAGGAGAGGACATGTCTGTCTGTGGTGGTCAGGGGTAGCCAAGGAAA-3'

ClinVar aggregate classification (germline): Uncertain significance (1 of 4 stars; one submission).

Allele frequency attached by ClinVar (database versions not stated): gnomAD 0.00001; ExAC 0.00002; TOPMed 0.00002.
gnomAD v4.1: 17 of 1,589,318 alleles (0.0011%); highest among the groups gnomAD compares: Admixed American, 0.018%; no homozygotes.

Submission:

Labcorp Genetics (formerly Invitae), Labcorp
Classification: Uncertain significance. Last evaluated: 2026-02-02. Review status: criteria provided, single submitter. Criteria: Invitae Variant Classification Sherloc (09022015). Collection method: clinical testing. Allele origin: germline.
Comment: This sequence change falls in intron 5 of the RTTN gene. It does not directly change the encoded amino acid sequence of the RTTN protein. It affects a nucleotide within the consensus splice site. This variant is present in population databases (rs749171483, gnomAD 0.03%). This variant has not been reported in the literature in individuals affected with RTTN-related conditions. ClinVar contains an entry for this variant (Variation ID: 1927404). Variants that disrupt the consensus splice site are a relatively common cause of aberrant splicing (PMID: 17576681, 9536098). Algorithms developed to predict the effect of sequence changes on RNA splicing suggest that this variant may disrupt the consensus splice site. In summary, the available evidence is currently insufficient to determine the role of this variant in disease. Therefore, it has been classified as a Variant of Uncertain Significance.

Literature cited by the submitters: PubMed 17576681; PubMed 9536098.